The following is an entry in ClinVar:

NM_021971.4(GMPPB):c.65C>T (p.Pro22Leu)

Gene: GMPPB (GDP-mannose pyrophosphorylase B; minus strand). Cytogenetic location: 3p21.31.
Variant type: single nucleotide variant.
Coding change: c.65C>T on transcript NM_021971.4 (MANE Select); coding-DNA position 65, C replaced by T.
Protein change: p.Pro22Leu; replaces proline 22 with leucine.
Molecular consequence: missense variant.
Genome position (GRCh38, 1-based): chr3:49,723,662, G>A on the plus strand (C>T on the coding strand, the complement: GMPPB is on the minus strand). VCF-style: chr3-49723662-G-A. GRCh37 (hg19) VCF-style: chr3-49761095-G-A.
Other names: c.65C>T, p.Pro22Leu (NM_013334.4); short protein forms P22L.
Identifiers: ClinVar variation 2017362 (VCV002017362.4), dbSNP rs1204528532, ClinGen allele CA352831687.

ClinVar aggregate classification (germline): Likely pathogenic (1 of 4 stars; one submission).

Conditions:
Muscular dystrophy-dystroglycanopathy (congenital with impaired intellectual development), type B, 14. Also called: MUSCULAR DYSTROPHY, CONGENITAL, GMPPB-RELATED; Congenital muscular dystrophy-dystroglycanopathy with mental retardation, type B14; Muscular dystrophy-dystroglycanopathy (congenital with intellectual disability), type B14. Identifiers: MedGen C3809221, MONDO:0014141, OMIM 615351.
Muscular dystrophy-dystroglycanopathy (congenital with brain and eye anomalies), type A14. Also called: WALKER-WARBURG SYNDROME OR MUSCLE-EYE-BRAIN DISEASE, GMPPB-RELATED; Muscular dystrophy-dystroglycanopathy (congenital with brain and eye anomalies), type a, 14; Congenital Muscular Dystrophy-Dystroglycanopathy with Brain and Eye Anomalies Type A 14; Congenital muscular dystrophy-dystroglycanopathy with brain and eye anomalies, type A14. Identifiers: Orphanet 588, MedGen C3809216, MONDO:0014140, OMIM 615350.
Autosomal recessive limb-girdle muscular dystrophy type 2T. Also called: MUSCULAR DYSTROPHY-DYSTROGLYCANOPATHY, LIMB-GIRDLE, GMPPB-RELATED; MUSCULAR DYSTROPHY, LIMB-GIRDLE, TYPE 2T; Muscular dystrophy-dystroglycanopathy (limb-girdle), type c, 14; Limb-girdle muscular dystrophy-dystroglycanopathy, type C14. Identifiers: Orphanet 363623, MedGen C4518000, MONDO:0014142, OMIM 615352.

Submission:

Labcorp Genetics (formerly Invitae), Labcorp
Classification: Likely pathogenic for Autosomal recessive limb-girdle muscular dystrophy type 2T; Muscular dystrophy-dystroglycanopathy (congenital with brain and eye anomalies), type A14; Muscular dystrophy-dystroglycanopathy (congenital with impaired intellectual development), type B, 14. Last evaluated: 2022-03-14. Review status: criteria provided, single submitter. Criteria: Invitae Variant Classification Sherloc (09022015). Collection method: clinical testing. Allele origin: germline.
Comment: In summary, the currently available evidence indicates that the variant is pathogenic, but additional data are needed to prove that conclusively. Therefore, this variant has been classified as Likely Pathogenic. This variant disrupts the p.Pro22 amino acid residue in GMPPB. Other variant(s) that disrupt this residue have been determined to be pathogenic (PMID: 23768512). This suggests that this residue is clinically significant, and that variants that disrupt this residue are likely to be disease-causing. Advanced modeling of protein sequence and biophysical properties (such as structural, functional, and spatial information, amino acid conservation, physicochemical variation, residue mobility, and thermodynamic stability) performed at Invitae indicates that this missense variant is expected to disrupt GMPPB protein function. This variant has not been reported in the literature in individuals affected with GMPPB-related conditions. This variant is not present in population databases (gnomAD no frequency). This sequence change replaces proline, which is neutral and non-polar, with leucine, which is neutral and non-polar, at codon 22 of the GMPPB protein (p.Pro22Leu).

Literature cited by the submitters: PubMed 23768512.